The following is an entry in ClinVar:

NM_080911.3(UNG):c.514C>A (p.Pro172Thr)

Gene: UNG (uracil DNA glycosylase; plus strand). Cytogenetic location: 12q24.11.
Variant type: single nucleotide variant.
Coding change: c.514C>A on transcript NM_080911.3 (MANE Select); coding-DNA position 514, C replaced by A.
Protein change: p.Pro172Thr; replaces proline 172 with threonine.
Molecular consequence: missense variant.
Genome position (GRCh38, 1-based): chr12:109,101,980, C>A. VCF-style: chr12-109101980-C-A. GRCh37 (hg19) VCF-style: chr12-109539785-C-A.
Other names: c.487C>A, p.Pro163Thr (NM_003362.4); short protein forms P172T, P163T.
Identifiers: ClinVar variation 3669348 (VCV003669348.1).

ClinVar aggregate classification (germline): Uncertain significance (1 of 4 stars; one submission).

Conditions:
Hyper-IgM syndrome type 5 (HIGM5). Also called: Hyper-IgM Immunodeficiency Syndrome, Type 5. Identifiers: Orphanet 101092, MedGen C1720958, MONDO:0011971, OMIM 608106.

Submission:

Labcorp Genetics (formerly Invitae), Labcorp
Classification: Uncertain significance for Hyper-IgM syndrome type 5. Last evaluated: 2024-11-05. Review status: criteria provided, single submitter. Criteria: Invitae Variant Classification Sherloc (09022015). Collection method: clinical testing. Allele origin: germline.
Comment: This sequence change replaces proline, which is neutral and non-polar, with threonine, which is neutral and polar, at codon 172 of the UNG protein (p.Pro172Thr). This variant is not present in population databases (gnomAD no frequency). This variant has not been reported in the literature in individuals affected with UNG-related conditions. Invitae Evidence Modeling of protein sequence and biophysical properties (such as structural, functional, and spatial information, amino acid conservation, physicochemical variation, residue mobility, and thermodynamic stability) indicates that this missense variant is not expected to disrupt UNG protein function with a negative predictive value of 80%. In summary, the available evidence is currently insufficient to determine the role of this variant in disease. Therefore, it has been classified as a Variant of Uncertain Significance.